The following is an entry in ClinVar:

NM_001034853.2(RPGR):c.38C>T (p.Ala13Val)

Gene: RPGR (retinitis pigmentosa GTPase regulator; minus strand). Cytogenetic location: Xp11.4.
Variant type: single nucleotide variant.
Coding change: c.38C>T on transcript NM_001034853.2 (MANE Select); coding-DNA position 38, C replaced by T.
Protein change: p.Ala13Val; replaces alanine 13 with valine.
Molecular consequence: missense variant. On other transcripts: non-coding transcript variant (6).
Genome position (GRCh38, 1-based): chrX:38,323,515, G>A on the plus strand (C>T on the coding strand, the complement: RPGR is on the minus strand). VCF-style: chrX-38323515-G-A. GRCh37 (hg19) VCF-style: chrX-38182768-G-A.
Other names: c.38C>T, p.Ala13Val (NM_000328.3, NM_001367245.1, NM_001367246.1 and 4 more transcripts); c.68C>T, p.Ala23Val (NM_001367248.1); short protein forms A13V, A23V.
Identifiers: ClinVar variation 2740947 (VCV002740947.3), dbSNP rs1435213397, ClinGen allele CA412746168.
Genomic context (GRCh38, chrX:38,323,515, plus strand): 5'-TTAAACCAGAATTTACCGGGATTATTTTCAGCAAATTTACTTTTCCCAAATGTAAACACA[G>A]CACCCGAATCTGCAAATATAAGACGGTCTTTATTTTATAACTTTTACTATGTTGCCTGTT-3'
Protein context (NP_001030025.1, residues 3-23): EPEELMPDSG[Ala13Val]VFTFGKSKFA

ClinVar aggregate classification (germline): Uncertain significance (1 of 4 stars; one submission).

Conditions:
Primary ciliary dyskinesia. Also called: Ciliary dyskinesia. Identifiers: Orphanet 244, MedGen C0008780, MONDO:0016575, HP:0012265.

Allele frequency attached by ClinVar (database versions not stated): gnomAD exomes below 0.00001; TOPMed 0.00001; gnomAD 0.00002.
gnomAD v4.1: 4 of 1,206,824 alleles (0.00033%); highest among the groups gnomAD compares: Non-Finnish European, 0.00045%; no homozygotes.

Submission:

Labcorp Genetics (formerly Invitae), Labcorp
Classification: Uncertain significance for Primary ciliary dyskinesia. Last evaluated: 2022-12-03. Review status: criteria provided, single submitter. Criteria: Invitae Variant Classification Sherloc (09022015). Collection method: clinical testing. Allele origin: germline.
Comment: In summary, the available evidence is currently insufficient to determine the role of this variant in disease. Therefore, it has been classified as a Variant of Uncertain Significance. Advanced modeling of protein sequence and biophysical properties (such as structural, functional, and spatial information, amino acid conservation, physicochemical variation, residue mobility, and thermodynamic stability) has been performed at Invitae for this missense variant, however the output from this modeling did not meet the statistical confidence thresholds required to predict the impact of this variant on RPGR protein function. This variant has not been reported in the literature in individuals affected with RPGR-related conditions. This variant is present in population databases (no rsID available, gnomAD 0.001%). This sequence change replaces alanine, which is neutral and non-polar, with valine, which is neutral and non-polar, at codon 13 of the RPGR protein (p.Ala13Val).